The following is an entry in ClinVar:

NM_000465.4(BARD1):c.1694G>T (p.Arg565Leu)

Gene: BARD1 (BRCA1 associated RING domain 1; minus strand). Cytogenetic location: 2q35.
Variant type: single nucleotide variant.
Coding change: c.1694G>T on transcript NM_000465.4 (MANE Select); coding-DNA position 1694, G replaced by T.
Protein change: p.Arg565Leu; replaces arginine 565 with leucine.
Molecular consequence: missense variant. On other transcripts: non-coding transcript variant (3), intron variant (1).
Genome position (GRCh38, 1-based): chr2:214,745,838, C>A on the plus strand (G>T on the coding strand, the complement: BARD1 is on the minus strand). VCF-style: chr2-214745838-C-A. GRCh37 (hg19) VCF-style: chr2-215610562-C-A.
Other names: c.1637G>T, p.Arg546Leu (NM_001282543.2); c.341G>T, p.Arg114Leu (NM_001282545.2); c.284G>T, p.Arg95Leu (NM_001282548.2); c.365-15330G>T (NM_001282549.2); short protein forms R565L, R114L, R95L, R546L.
Identifiers: ClinVar variation 141229 (VCV000141229.6), dbSNP rs146946984, ClinGen allele CA164861.

ClinVar aggregate classification (germline): Uncertain significance. Review status: criteria provided, multiple submitters, no conflicts (2 of 4 stars). 2 submissions from 2 submitters: Uncertain significance (2). Last evaluated 2024-08-22.

Conditions:
Hereditary cancer-predisposing syndrome. Also called: Neoplastic Syndromes, Hereditary; Tumor predisposition; Hereditary Cancer Syndrome; Hereditary neoplastic syndrome. Identifiers: Orphanet 140162, MedGen C0027672, MeSH D009386, MONDO:0015356.
Familial cancer of breast. Also called: BREAST CANCER, FAMILIAL; Hereditary breast cancer; hereditary breast carcinoma. Identifiers: Orphanet 227535, MedGen C0346153, MONDO:0016419, OMIM 114480. Disease mechanism: loss of function.

gnomAD v4.1: 2 of 1,614,046 alleles (0.00012%); highest among the groups gnomAD compares: South Asian, 0.0011%; no homozygotes.

Submissions (2):

Ambry Genetics
Classification: Uncertain significance for Hereditary cancer-predisposing syndrome. Last evaluated: 2024-08-22. Review status: criteria provided, single submitter. Criteria: Ambry Variant Classification Scheme 2023. Collection method: clinical testing. Allele origin: germline.
Comment: The p.R565L variant (also known as c.1694G>T), located in coding exon 8 of the BARD1 gene, results from a G to T substitution at nucleotide position 1694. The arginine at codon 565 is replaced by leucine, an amino acid with dissimilar properties. This amino acid position is well conserved in available vertebrate species. In addition, the in silico prediction for this alteration is inconclusive. Based on the available evidence, the clinical significance of this variant remains unclear.

Labcorp Genetics (formerly Invitae), Labcorp
Classification: Uncertain significance for Familial cancer of breast. Last evaluated: 2024-02-09. Review status: criteria provided, single submitter. Criteria: Invitae Variant Classification Sherloc (09022015). Collection method: clinical testing. Allele origin: germline.
Comment: This sequence change replaces arginine, which is basic and polar, with leucine, which is neutral and non-polar, at codon 565 of the BARD1 protein (p.Arg565Leu). This variant is not present in population databases (gnomAD no frequency). This variant has not been reported in the literature in individuals affected with BARD1-related conditions. ClinVar contains an entry for this variant (Variation ID: 141229). An algorithm developed to predict the effect of missense changes on protein structure and function (PolyPhen-2) suggests that this variant is likely to be disruptive. In summary, the available evidence is currently insufficient to determine the role of this variant in disease. Therefore, it has been classified as a Variant of Uncertain Significance.